The following is an entry in ClinVar:

NM_001006630.2(CHRM2):c.532A>C (p.Ile178Leu)

Genes: CHRM2 (cholinergic receptor muscarinic 2; plus strand), LOC349160 (uncharacterized LOC349160; minus strand). Cytogenetic location: 7q33.
Variant type: single nucleotide variant.
Coding change: c.532A>C on transcript NM_001006630.2 (MANE Select); coding-DNA position 532, A replaced by C.
Protein change: p.Ile178Leu; replaces isoleucine 178 with leucine.
Molecular consequence: missense variant.
Genome position (GRCh38, 1-based): chr7:137,015,397, A>C. VCF-style: chr7-137015397-A-C. GRCh37 (hg19) VCF-style: chr7-136700144-A-C.
Other names: c.532A>C, p.Ile178Leu (NM_000739.3, NM_001006626.3, NM_001006627.3 and 6 more transcripts); short protein forms I178L.
Identifiers: ClinVar variation 2418055 (VCV002418055.6), dbSNP rs1265117293, ClinGen allele CA369486707.
Genomic context (GRCh38, chr7:137,015,397, plus strand): 5'-GCCATTCTCTTCTGGCAGTTCATTGTAGGGGTGAGAACTGTGGAGGATGGGGAGTGCTAC[A>C]TTCAGTTTTTTTCCAATGCTGCTGTCACCTTTGGTACGGCTATTGCAGCCTTCTATTTGC-3'
Protein context (NP_001006631.1, residues 168-188): VRTVEDGECY[Ile178Leu]QFFSNAAVTF

ClinVar aggregate classification (germline): Uncertain significance (1 of 4 stars; one submission).

Allele frequency attached by ClinVar (database versions not stated): TOPMed below 0.00001.
gnomAD v4.1: 2 of 1,613,440 alleles (0.00012%); highest among the groups gnomAD compares: Admixed American, 0.0033%; no homozygotes.

Submission:

Labcorp Genetics (formerly Invitae), Labcorp
Classification: Uncertain significance. Last evaluated: 2022-02-02. Review status: criteria provided, single submitter. Criteria: Invitae Variant Classification Sherloc (09022015). Collection method: clinical testing. Allele origin: germline.
Comment: This variant has not been reported in the literature in individuals affected with CHRM2-related conditions. In summary, the available evidence is currently insufficient to determine the role of this variant in disease. Therefore, it has been classified as a Variant of Uncertain Significance. Algorithms developed to predict the effect of missense changes on protein structure and function are either unavailable or do not agree on the potential impact of this missense change (SIFT: "Deleterious"; PolyPhen-2: "Probably Damaging"; Align-GVGD: "Class C0"). This variant is present in population databases (no rsID available, gnomAD 0.006%). This sequence change replaces isoleucine, which is neutral and non-polar, with leucine, which is neutral and non-polar, at codon 178 of the CHRM2 protein (p.Ile178Leu).